The following is an entry in ClinVar:

NM_032236.8(USP48):c.3054G>A (p.Met1018Ile)

Gene: USP48 (ubiquitin specific peptidase 48; minus strand). Cytogenetic location: 1p36.12.
Variant type: single nucleotide variant.
Coding change: c.3054G>A on transcript NM_032236.8 (MANE Select); coding-DNA position 3054, G replaced by A.
Protein change: p.Met1018Ile; replaces methionine 1018 with isoleucine.
Molecular consequence: missense variant.
Genome position (GRCh38, 1-based): chr1:21,687,195, C>T on the plus strand (G>A on the coding strand, the complement: USP48 is on the minus strand). VCF-style: chr1-21687195-C-T. GRCh37 (hg19) VCF-style: chr1-22013688-C-T.
Other names: c.2898G>A, p.Met966Ile (NM_001330394.3); c.2853G>A, p.Met951Ile (NM_001350164.2); c.3048G>A, p.Met1016Ile (NM_001350166.2); c.3051G>A, p.Met1017Ile (NM_001350167.2, NM_001350168.2); short protein forms M1016I, M1018I, M1017I, M951I, M966I.
Identifiers: ClinVar variation 4996230 (VCV004996230.1).

ClinVar aggregate classification (germline): Uncertain significance (1 of 4 stars; one submission).

Conditions:
USP48-related condition.

Submission:

PreventionGenetics, part of Exact Sciences
Classification: Uncertain significance for USP48-related condition. Last evaluated: 2026-06-28. Review status: criteria provided, single submitter. Criteria: ACMG Guidelines, 2015. Collection method: clinical testing. Allele origin: germline.
Comment: The USP48 c.3054G>A variant is predicted to result in the amino acid substitution p.Met1018Ile. To our knowledge, this variant has not been reported in the literature. This variant is reported in 0.012% of alleles in individuals of African descent in gnomAD. At this time, the clinical significance of this variant is uncertain due to the absence of conclusive functional and genetic evidence.